The following is an entry in ClinVar:

ClinVar aggregate classification (germline): Likely benign (1 of 4 stars; one submission).

Conditions:
Papillary renal cell carcinoma type 1 (RCCP1). Also called: RENAL CELL CARCINOMA, PAPILLARY, 1, SOMATIC; Renal adenocarcinoma; Renal cell carcinoma 1; Renal cell carcinoma, somatic. Identifiers: Orphanet 47044, MedGen C1336839, OMIM 605074, HP:0011797.

Submission:

Myriad Genetics, Inc.
Classification: Likely benign for Papillary renal cell carcinoma type 1. Last evaluated: 2024-11-11. Review status: criteria provided, single submitter. Criteria: Myriad Autosomal Dominant, Autosomal Recessive and X-Linked Classification Criteria (2023). Collection method: clinical testing. Allele origin: unknown.
Comment: This variant is considered likely benign. This variant is intronic and is not expected to impact mRNA splicing.

NM_000245.4(MET):c.2584-18T>C

Gene: MET (MET proto-oncogene, receptor tyrosine kinase; plus strand). Cytogenetic location: 7q31.2.
Variant type: single nucleotide variant.
Coding change: c.2584-18T>C on transcript NM_000245.4 (MANE Select); 18 bases into the intron before coding-DNA position 2584, T replaced by C.
Molecular consequence: intron variant.
Genome position (GRCh38, 1-based): chr7:116,769,627, T>C. VCF-style: chr7-116769627-T-C. GRCh37 (hg19) VCF-style: chr7-116409681-T-C.
Other names: c.2638-18T>C (NM_001127500.3); c.1294-18T>C (NM_001324402.2); c.2584-18T>C (NM_001324401.3).
Identifiers: ClinVar variation 3773457 (VCV003773457.1).